The following is an entry in ClinVar:

ClinVar aggregate classification (germline): Uncertain significance (1 of 4 stars; one submission).

Conditions:
Primary ciliary dyskinesia 3. Identifiers: Orphanet 244, MedGen C1837618, MONDO:0012085, OMIM 608644.

gnomAD v4.1: 4 of 1,614,120 alleles (0.00025%); highest among the groups gnomAD compares: Non-Finnish European, 0.00034%; no homozygotes.

Submission:

Juno Genomics, Hangzhou Juno Genomics, Inc
Classification: Uncertain significance for Primary ciliary dyskinesia 3. Review status: criteria provided, single submitter. Criteria: ACMG Guidelines, 2015. Collection method: clinical testing. Allele origin: germline. Affected: yes.
Comment: Absent from controls (or at extremely low frequency if recessive) in Genome Aggregation Database, Exome Sequencing Project, 1000 Genomes Project, or Exome Aggregation Consortium.;Multiple lines of computational evidence support a deleterious effect on the gene or gene product (conservation, evolutionary, splicing impact, etc).;For recessive disorders, detected in trans with a pathogenic variant.;Patient's phenotype or family history is highly specific for a disease with a single genetic etiology.

NM_001369.3(DNAH5):c.5926G>A (p.Gly1976Arg)

Gene: DNAH5 (dynein axonemal heavy chain 5; minus strand). Cytogenetic location: 5p15.2.
Variant type: single nucleotide variant.
Coding change: c.5926G>A on transcript NM_001369.3 (MANE Select); coding-DNA position 5926, G replaced by A.
Protein change: p.Gly1976Arg; replaces glycine 1976 with arginine.
Molecular consequence: missense variant.
Genome position (GRCh38, 1-based): chr5:13,830,732, C>T on the plus strand (G>A on the coding strand, the complement: DNAH5 is on the minus strand). VCF-style: chr5-13830732-C-T. GRCh37 (hg19) VCF-style: chr5-13830841-C-T.
Other names: short protein forms G1976R.
Identifiers: ClinVar variation 3382805 (VCV003382805.2).